The following is an entry in ClinVar:

NM_000092.5(COL4A4):c.885del (p.Ile295fs)

Gene: COL4A4 (collagen type IV alpha 4 chain; minus strand). Cytogenetic location: 2q36.3.
Variant type: Deletion.
Coding change: c.885del on transcript NM_000092.5 (MANE Select); coding-DNA position 885, one base deleted (T; older notation c.885delT).
Protein change: p.Ile295fs; shifts the reading frame from isoleucine 295.
Molecular consequence: frameshift variant.
Genome position (GRCh38, 1-based): chr2:227,102,834, A deleted on the plus strand (T on the coding strand, the reverse complement: COL4A4 is on the minus strand); the first of 2 consecutive A bases (chr2:227,102,834-227,102,835); deleting either gives the same sequence. VCF-style (leftmost placement, unchanged base first): chr2-227102833-CA-C. GRCh37 (hg19) VCF-style: chr2-227967549-CA-C.
Other names: short protein forms I295fs.
Identifiers: ClinVar variation 1451882 (VCV001451882.6), dbSNP rs2150788209, ClinGen allele CA2573135439.

ClinVar aggregate classification (germline): Pathogenic (1 of 4 stars; one submission).

Submission:

Labcorp Genetics (formerly Invitae), Labcorp
Classification: Pathogenic. Last evaluated: 2021-01-28. Review status: criteria provided, single submitter. Criteria: Invitae Variant Classification Sherloc (09022015). Collection method: clinical testing. Allele origin: germline.
Comment: For these reasons, this variant has been classified as Pathogenic. Algorithms developed to predict the effect of sequence changes on RNA splicing suggest that this variant may create or strengthen a splice site, but this prediction has not been confirmed by published transcriptional studies. This variant has not been reported in the literature in individuals with COL4A4-related conditions. This variant is not present in population databases (ExAC no frequency). This sequence change creates a premature translational stop signal (p.Ile295Metfs*30) in the COL4A4 gene. It is expected to result in an absent or disrupted protein product. Loss-of-function variants in COL4A4 are known to be pathogenic (PMID: 21196518, 24854265, 25307543).

Literature cited by the submitters: PubMed 21196518; PubMed 24854265; PubMed 25307543.